The following is an entry in ClinVar:

ClinVar aggregate classification (germline): Pathogenic (1 of 4 stars; one submission).

Conditions:
Spastic paraplegia. Identifiers: MedGen C0037772, HP:0001258.

Allele frequency attached by ClinVar (database versions not stated): gnomAD exomes below 0.00001.

Submission:

Labcorp Genetics (formerly Invitae), Labcorp
Classification: Pathogenic for Spastic paraplegia. Last evaluated: 2023-10-30. Review status: criteria provided, single submitter. Criteria: Invitae Variant Classification Sherloc (09022015). Collection method: clinical testing. Allele origin: germline.
Comment: This sequence change creates a premature translational stop signal (p.Phe111Leufs*5) in the CYP7B1 gene. It is expected to result in an absent or disrupted protein product. Loss-of-function variants in CYP7B1 are known to be pathogenic (PMID: 9802883, 19363635, 19439420, 21541746, 21567895, 28039895). This variant is not present in population databases (gnomAD no frequency). This variant has not been reported in the literature in individuals affected with CYP7B1-related conditions. For these reasons, this variant has been classified as Pathogenic.

Literature cited by the submitters: PubMed 9802883; PubMed 19363635; PubMed 19439420; PubMed 21541746; PubMed 21567895; PubMed 28039895.

NM_004820.5(CYP7B1):c.333_334del (p.Phe111fs)

Gene: CYP7B1 (cytochrome P450 family 7 subfamily B member 1; minus strand). Cytogenetic location: 8q12.3.
Variant type: Deletion.
Coding change: c.333_334del on transcript NM_004820.5 (MANE Select); coding-DNA positions 333 to 334, 2 bases deleted (TC; older notation c.333_334delTC).
Protein change: p.Phe111fs; shifts the reading frame from phenylalanine 111.
Molecular consequence: frameshift variant.
Genome position (GRCh38, 1-based): chr8:64,616,207-64,616,208, GA deleted on the plus strand (TC on the coding strand, the reverse complement: CYP7B1 is on the minus strand). VCF-style (leftmost placement, unchanged base first): chr8-64616206-CGA-C. GRCh37 (hg19) VCF-style: chr8-65528763-CGA-C.
Other names: c.333_334del, p.Phe111fs (NM_001324112.2); short protein forms F111fs.
Identifiers: ClinVar variation 2871585 (VCV002871585.3), dbSNP rs2487192220, ClinGen allele CA2687454667.
Genomic context (GRCh38, chr8:64,616,206, plus strand): 5'-TGATTTTTTTGCAACTGACTGATGCTAAATGCTTTCTCTAATAATTTATTAGAAAATACT[CGA>C]AAGCTTAATTGTTTATGATTTTTTATCACTAGCTGGTACTGGAAGGGGTCCAGGATAAAT-3'